The following is an entry in ClinVar:

ClinVar aggregate classification (germline): Pathogenic/Likely pathogenic. Review status: criteria provided, multiple submitters, no conflicts (2 of 4 stars). 2 submissions from 2 submitters: Pathogenic (1); Likely pathogenic (1). Last evaluated 2024-08-01.

Conditions:
Retinoblastoma (RB1). Also called: RETINOBLASTOMA, SOMATIC. Identifiers: Orphanet 790, MedGen C0035335, MeSH D012175, MONDO:0008380, OMIM 180200, HP:0009919. Disease mechanism: loss of function. Inheritance: Both sporadic and heritable forms are tested..

Submissions (2):

Labcorp Genetics (formerly Invitae), Labcorp
Classification: Pathogenic for Retinoblastoma. Last evaluated: 2024-08-01. Review status: criteria provided, single submitter. Criteria: Invitae Variant Classification Sherloc (09022015). Collection method: clinical testing. Allele origin: germline.
Comment: This sequence change falls in intron 14 of the RB1 gene. It does not directly change the encoded amino acid sequence of the RB1 protein. This variant is not present in population databases (gnomAD no frequency). This variant has been observed in individual(s) with bilateral retinoblastoma (PMID: 28575107; Invitae). In at least one individual the variant was observed to be de novo. ClinVar contains an entry for this variant (Variation ID: 410932). Algorithms developed to predict the effect of sequence changes on RNA splicing suggest that this variant may disrupt the consensus splice site. For these reasons, this variant has been classified as Pathogenic.

Department of Pathology and Laboratory Medicine, Sinai Health System
Classification: Likely pathogenic for retinoblastoma. Review status: criteria provided, single submitter. Criteria: ACMG Guidelines, 2015. Collection method: clinical testing. Allele origin: germline.

Literature cited by the submitters: PubMed 28575107 (cited by Labcorp Genetics (formerly Invitae), Labcorp).

NM_000321.3(RB1):c.1390-14A>G

Gene: RB1 (RB transcriptional corepressor 1; plus strand). Cytogenetic location: 13q14.2.
Variant type: single nucleotide variant.
Coding change: c.1390-14A>G on transcript NM_000321.3 (MANE Select); 14 bases into the intron before coding-DNA position 1390, A replaced by G.
Molecular consequence: intron variant.
Genome position (GRCh38, 1-based): chr13:48,380,039, A>G. VCF-style: chr13-48380039-A-G. GRCh37 (hg19) VCF-style: chr13-48954175-A-G.
Identifiers: ClinVar variation 410932 (VCV000410932.9), dbSNP rs9535023, ClinGen allele CA16614313.